The following is an entry in ClinVar:

ClinVar aggregate classification (germline): Uncertain significance (1 of 4 stars; one submission).

Submission:

GeneDx
Classification: Uncertain significance. Last evaluated: 2023-07-28. Review status: criteria provided, single submitter. Criteria: GeneDx Variant Classification Process June 2021. Collection method: clinical testing. Allele origin: germline.
Comment: Not observed at significant frequency in large population cohorts (gnomAD); Has not been previously published as pathogenic or benign to our knowledge; Variants in candidate genes are classified as variants of uncertain significance in accordance with ACMG guidelines (Richards et al., 2015); Canonical splice site variant in a gene for which loss-of-function is not an established mechanism of disease.

NM_014921.5(ADGRL1):c.71-2A>C

Gene: ADGRL1 (adhesion G protein-coupled receptor L1; minus strand). Cytogenetic location: 19p13.12.
Variant type: single nucleotide variant.
Coding change: c.71-2A>C on transcript NM_014921.5 (MANE Select); the canonical splice acceptor site of the intron before coding-DNA position 71, A replaced by C.
Molecular consequence: splice acceptor variant.
Genome position (GRCh38, 1-based): chr19:14,177,746, T>G on the plus strand (A>C on the coding strand, the complement: ADGRL1 is on the minus strand). VCF-style: chr19-14177746-T-G. GRCh37 (hg19) VCF-style: chr19-14288558-T-G.
Other names: c.71-2A>C (NM_001008701.3).
Identifiers: ClinVar variation 4891386 (VCV004891386.1).